The following is an entry in ClinVar:

NM_000256.3(MYBPC3):c.295A>G (p.Lys99Glu)

Gene: MYBPC3 (myosin binding protein C3; minus strand). Cytogenetic location: 11p11.2.
Variant type: single nucleotide variant.
Coding change: c.295A>G on transcript NM_000256.3 (MANE Select); coding-DNA position 295, A replaced by G.
Protein change: p.Lys99Glu; replaces lysine 99 with glutamic acid.
Molecular consequence: missense variant.
Genome position (GRCh38, 1-based): chr11:47,350,613, T>C on the plus strand (A>G on the coding strand, the complement: MYBPC3 is on the minus strand). VCF-style: chr11-47350613-T-C. GRCh37 (hg19) VCF-style: chr11-47372164-T-C.
Other names: short protein forms K99E.
Identifiers: ClinVar variation 4723201 (VCV004723201.1).
Genomic context (GRCh38, chr11:47,350,613, plus strand): 5'-CTCCAGGGGCTCCAGTGGCCTCAGCAGGGGCAGGGGCAGGGGCCAGCATGGGCTCTGCCT[T>C]CTCTGGAGGGGATCAGATGGGAGTCGTGGTGCAGCCACTAACCAGAGACCCCTCCACCCT-3'
Protein context (NP_000247.2, residues 89-109): KFDLKVIEAE[Lys99Glu]AEPMLAPAPA

ClinVar aggregate classification (germline): Uncertain significance (1 of 4 stars; one submission).

Conditions:
Hypertrophic cardiomyopathy. Also called: HYPERTROPHIC MYOCARDIOPATHY. Identifiers: Orphanet 217569, MedGen C0007194, MeSH D002312, MONDO:0005045, HP:0001639.

Submission:

Labcorp Genetics (formerly Invitae), Labcorp
Classification: Uncertain significance for Hypertrophic cardiomyopathy. Last evaluated: 2025-07-14. Review status: criteria provided, single submitter. Criteria: Invitae Variant Classification Sherloc (09022015). Collection method: clinical testing. Allele origin: germline.
Comment: This sequence change replaces lysine, which is basic and polar, with glutamic acid, which is acidic and polar, at codon 99 of the MYBPC3 protein (p.Lys99Glu). This variant is not present in population databases (gnomAD no frequency). This variant has not been reported in the literature in individuals affected with MYBPC3-related conditions. An algorithm developed to predict the effect of missense changes on protein structure and function (PolyPhen-2) suggests that this variant is likely to be tolerated. In summary, the available evidence is currently insufficient to determine the role of this variant in disease. Therefore, it has been classified as a Variant of Uncertain Significance.